The following is an entry in ClinVar:

ClinVar aggregate classification (germline): Uncertain significance. Review status: criteria provided, multiple submitters, no conflicts (2 of 4 stars). 4 submissions from 4 submitters: Uncertain significance (4). Last evaluated 2024-12-17.

Conditions:
Inborn genetic diseases. Identifiers: MedGen C0950123, MeSH D030342.

Allele frequency attached by ClinVar (database versions not stated): gnomAD 0.00009; gnomAD exomes 0.00032 and 0.00008; TOPMed 0.00011; ExAC 0.00005; ESP Exome Variant Server 0.00017.
gnomAD v4.1: 470 of 1,600,566 alleles (0.029%); highest among the groups gnomAD compares: Non-Finnish European, 0.039%; no homozygotes.

Submissions (4):

GeneDx
Classification: Uncertain significance. Last evaluated: 2024-12-17. Review status: criteria provided, single submitter. Criteria: GeneDx Variant Classification Process June 2021. Collection method: clinical testing. Allele origin: germline. Affected: yes.
Comment: Has not been previously published as pathogenic or benign to our knowledge; In silico analysis indicates that this missense variant does not alter protein structure/function; Reported using an alternate transcript of the gene

CeGaT Center for Human Genetics Tuebingen
Classification: Uncertain significance. Last evaluated: 2024-07-01. Review status: criteria provided, single submitter. Criteria: CeGaT Center For Human Genetics Tuebingen Variant Classification Criteria Version 2. Collection method: clinical testing. Allele origin: germline. Affected: yes. Observed: 1 variant allele.
Comment: OPA3: PM2

Blueprint Genetics
Classification: Uncertain significance. Last evaluated: 2024-01-23. Review status: criteria provided, single submitter. Criteria: ACMG Guidelines, 2015. Collection method: clinical testing. Allele origin: germline.

Ambry Genetics
Classification: Uncertain significance for Inborn genetic diseases. Last evaluated: 2020-11-12. Review status: criteria provided, single submitter. Criteria: Ambry Variant Classification Scheme 2023. Collection method: clinical testing. Allele origin: germline.
Comment: The c.514C>T (p.P172S) alteration is located in exon 2 (coding exon 2) of the OPA3 gene. This alteration results from a C to T substitution at nucleotide position 514, causing the proline (P) at amino acid position 172 to be replaced by a serine (S). Based on data from the Genome Aggregation Database (gnomAD) database, the OPA3 c.514C>T alteration was observed in 0.0075% (20/266,956) of total alleles studied, with a frequency of 0.014% (17/119,898) in the European (non-Finnish) subpopulation. This amino acid position is not conserved on limited sequence alignment. The p.P172S alteration is predicted to be tolerated by in silico analysis. Based on insufficient or conflicting evidence, the clinical significance of this alteration remains unclear.

NM_001017989.3(OPA3):c.514C>T (p.Pro172Ser)

Genes: OPA3 (outer mitochondrial membrane lipid metabolism regulator OPA3; minus strand), OPA3-RTN2 (OPA3-RTN2 readthrough; minus strand). Cytogenetic location: 19q13.32.
Variant type: single nucleotide variant.
Coding change: c.514C>T on transcript NM_001017989.3; coding-DNA position 514, C replaced by T.
Protein change: p.Pro172Ser; replaces proline 172 with serine.
Molecular consequence: missense variant.
Genome position (GRCh38, 1-based): chr19:45,529,085, G>A on the plus strand (C>T on the coding strand, the complement: OPA3 is on the minus strand). VCF-style: chr19-45529085-G-A. GRCh37 (hg19) VCF-style: chr19-46032343-G-A.
Other names: short protein forms P172S.
Identifiers: ClinVar variation 1203152 (VCV001203152.26), dbSNP rs201023208, ClinGen allele CA9517266.